The following is an entry in ClinVar:

ClinVar aggregate classification (germline): Uncertain significance. Review status: criteria provided, multiple submitters, no conflicts (2 of 4 stars). 2 submissions from 2 submitters: Uncertain significance (2). Last evaluated 2026-02-16.

Conditions:
Oligodontia-cancer predisposition syndrome. Also called: TOOTH AGENESIS-COLORECTAL CANCER SYNDROME. Identifiers: Orphanet 300576, MedGen C1837750, MONDO:0012075, OMIM 608615. Disease mechanism: loss of function.
Hereditary cancer-predisposing syndrome. Also called: Tumor predisposition; Neoplastic Syndromes, Hereditary; Hereditary Cancer Syndrome; Hereditary neoplastic syndrome. Identifiers: Orphanet 140162, MedGen C0027672, MeSH D009386, MONDO:0015356.

Allele frequency attached by ClinVar (database versions not stated): TOPMed below 0.00001.
gnomAD v4.1: 2 of 1,614,078 alleles (0.00012%); highest among the groups gnomAD compares: African/African-American, 0.0013%; no homozygotes.

Submissions (2):

Ambry Genetics
Classification: Uncertain significance for Hereditary cancer-predisposing syndrome. Last evaluated: 2026-02-16. Review status: criteria provided, single submitter. Criteria: Ambry Variant Classification Scheme 2023. Collection method: clinical testing. Allele origin: germline.
Comment: The p.A131G variant (also known as c.392C>G), located in coding exon 1 of the AXIN2 gene, results from a C to G substitution at nucleotide position 392. The alanine at codon 131 is replaced by glycine, an amino acid with similar properties. This amino acid position is conserved. In addition, the in silico prediction for this alteration is inconclusive. Based on the available evidence, the clinical significance of this variant remains unclear.

Labcorp Genetics (formerly Invitae), Labcorp
Classification: Uncertain significance for Oligodontia-cancer predisposition syndrome. Last evaluated: 2023-08-09. Review status: criteria provided, single submitter. Criteria: Invitae Variant Classification Sherloc (09022015). Collection method: clinical testing. Allele origin: germline.
Comment: This sequence change replaces alanine, which is neutral and non-polar, with glycine, which is neutral and non-polar, at codon 131 of the AXIN2 protein (p.Ala131Gly). In summary, the available evidence is currently insufficient to determine the role of this variant in disease. Therefore, it has been classified as a Variant of Uncertain Significance. Advanced modeling of protein sequence and biophysical properties (such as structural, functional, and spatial information, amino acid conservation, physicochemical variation, residue mobility, and thermodynamic stability) performed at Invitae indicates that this missense variant is expected to disrupt AXIN2 protein function. This variant has not been reported in the literature in individuals affected with AXIN2-related conditions. This variant is present in population databases (no rsID available, gnomAD 0.0009%).

NM_004655.4(AXIN2):c.392C>G (p.Ala131Gly)

Gene: AXIN2 (axin 2; minus strand). Cytogenetic location: 17q24.1.
Variant type: single nucleotide variant.
Coding change: c.392C>G on transcript NM_004655.4 (MANE Select); coding-DNA position 392, C replaced by G.
Protein change: p.Ala131Gly; replaces alanine 131 with glycine.
Molecular consequence: missense variant.
Genome position (GRCh38, 1-based): chr17:65,558,229, G>C on the plus strand (C>G on the coding strand, the complement: AXIN2 is on the minus strand). VCF-style: chr17-65558229-G-C. GRCh37 (hg19) VCF-style: chr17-63554347-G-C.
Other names: c.392C>G, p.Ala131Gly (NM_001363813.1); short protein forms A131G.
Identifiers: ClinVar variation 2906013 (VCV002906013.4), dbSNP rs947743204, ClinGen allele CA293107213.
Genomic context (GRCh38, chr17:65,558,229, plus strand): 5'-GGCTTCAGCTGCTTGGAGACAATGCTGTTGTTCTCAATGTACCTTTTGTAGATCGCTTTG[G>C]CTACTCGTAAAGTTTTGGTATCCTTCAGGTTCATCTGCCTGAATCCATTGCAGGCAAACC-3'
Protein context (NP_004646.3, residues 121-141): NLKDTKTLRV[Ala131Gly]KAIYKRYIEN